The following is an entry in ClinVar:

NM_001378418.1(TCF20):c.2446C>T (p.His816Tyr)

Gene: TCF20 (transcription factor 20; minus strand). Cytogenetic location: 22q13.2.
Variant type: single nucleotide variant.
Coding change: c.2446C>T on transcript NM_001378418.1 (MANE Select); coding-DNA position 2446, C replaced by T.
Protein change: p.His816Tyr; replaces histidine 816 with tyrosine.
Molecular consequence: missense variant.
Genome position (GRCh38, 1-based): chr22:42,212,860, G>A on the plus strand (C>T on the coding strand, the complement: TCF20 is on the minus strand). VCF-style: chr22-42212860-G-A. GRCh37 (hg19) VCF-style: chr22-42608866-G-A.
Other names: c.2446C>T, p.His816Tyr (NM_005650.4, NM_181492.3); short protein forms H816Y.
Identifiers: ClinVar variation 2500465 (VCV002500465.1), dbSNP rs2518226258, ClinGen allele CA411788640.

ClinVar aggregate classification (germline): Uncertain significance (1 of 4 stars; one submission).

Submission:

GeneDx
Classification: Uncertain significance. Last evaluated: 2022-10-25. Review status: criteria provided, single submitter. Criteria: GeneDx Variant Classification Process June 2021. Collection method: clinical testing. Allele origin: germline. Affected: yes.
Comment: Not observed at significant frequency in large population cohorts (gnomAD); In silico analysis supports that this missense variant does not alter protein structure/function; Has not been previously published as pathogenic or benign to our knowledge